The following is an entry in ClinVar:

NM_001367949.2(FAT3):c.6786C>T (p.Asp2262=)

Gene: FAT3 (FAT atypical cadherin 3; plus strand). Cytogenetic location: 11q14.3.
Variant type: single nucleotide variant.
Coding change: c.6786C>T on transcript NM_001367949.2 (MANE Select); coding-DNA position 6786, C replaced by T.
Protein change: p.Asp2262=; no amino-acid change (aspartic acid 2262 retained).
Molecular consequence: synonymous variant.
Genome position (GRCh38, 1-based): chr11:92,799,799, C>T. VCF-style: chr11-92799799-C-T. GRCh37 (hg19) VCF-style: chr11-92532965-C-T.
Other names: c.6786C>T, p.Asp2262= (NM_001008781.3).
Identifiers: ClinVar variation 782300 (VCV000782300.29), dbSNP rs139617275, ClinGen allele CA6227349.

ClinVar aggregate classification (germline): Benign/Likely benign. Review status: criteria provided, multiple submitters, no conflicts (2 of 4 stars). 4 submissions from 4 submitters: Benign (2); Likely benign (1). 1 of the submissions does not count toward it. Last evaluated 2024-12-01.

Conditions:
FAT3-related disorder. Also called: FAT3-related condition.

Allele frequency attached by ClinVar (database versions not stated): 1000 Genomes Project 30x 0.00094; 1000 Genomes Project 0.00100; gnomAD 0.00154 and 0.00161; TOPMed 0.00161; gnomAD exomes 0.00194 and 0.00266; ESP Exome Variant Server 0.00216; ExAC 0.00231.
gnomAD v4.1: 4,115 of 1,613,022 alleles (0.26%); highest among the groups gnomAD compares: Non-Finnish European, 0.3%; 8 homozygotes.

Submissions (4):

CeGaT Center for Human Genetics Tuebingen
Classification: Likely benign. Last evaluated: 2024-12-01. Review status: criteria provided, single submitter. Criteria: CeGaT Center For Human Genetics Tuebingen Variant Classification Criteria Version 2. Collection method: clinical testing. Allele origin: germline. Affected: yes. Observed: 3 variant alleles.
Comment: FAT3: BP4, BP7

Labcorp Genetics (formerly Invitae), Labcorp
Classification: Benign. Last evaluated: 2017-09-20. Review status: criteria provided, single submitter. Criteria: Invitae Variant Classification Sherloc (09022015). Collection method: clinical testing. Allele origin: germline.

Breakthrough Genomics
Classification: Benign. Review status: criteria provided, single submitter. Criteria: ACMG Guidelines, 2015. Collection method: not provided. Allele origin: germline. Inheritance: Unknown mechanism. Affected: yes.

PreventionGenetics, part of Exact Sciences
Classification: Likely benign for FAT3-related condition. Last evaluated: 2019-05-03. Review status: no assertion criteria provided. Collection method: clinical testing. Allele origin: germline. Not counted in ClinVar's aggregate classification.
Comment: This variant is classified as likely benign based on ACMG/AMP sequence variant interpretation guidelines (Richards et al. 2015 PMID: 25741868, with internal and published modifications).